The following is an entry in ClinVar:

ClinVar aggregate classification (germline): Uncertain significance (1 of 4 stars; one submission).

Conditions:
Nemaline myopathy 2 (NEM2). Also called: Nemaline myopathy 2, autosomal recessive. Identifiers: MedGen C1850569, MONDO:0009725, OMIM 256030.

Submission:

Myriad Genetics, Inc.
Classification: Uncertain significance for Nemaline myopathy 2. Last evaluated: 2026-04-02. Review status: criteria provided, single submitter. Criteria: Myriad Autosomal Dominant, Autosomal Recessive and X-Linked Classification Criteria (2023). Collection method: clinical testing. Allele origin: unknown.
Comment: NM_001271208.1(NEB):c.5032-1G>C is a variant in a canonical splice site classified as a variant of uncertain significance in the context of NEB-related nemaline myopathy. c.5032-1G>C has not been observed in cases with relevant disease. Relevant functional assessments of this variant are not available in the literature. c.5032-1G>C has not been observed in referenced population frequency databases. In summary, there is insufficient evidence to classify NM_001271208.1(NEB):c.5032-1G>C as pathogenic or benign. Please note: this variant was assessed in the context of healthy population screening.

NM_001164508.2(NEB):c.5032-1G>C

Gene: NEB (nebulin; minus strand). Cytogenetic location: 2q23.3.
Variant type: single nucleotide variant.
Coding change: c.5032-1G>C on transcript NM_001164508.2 (MANE Select); the canonical splice acceptor site of the intron before coding-DNA position 5032, G replaced by C.
Molecular consequence: splice acceptor variant.
Genome position (GRCh38, 1-based): chr2:151,665,540, C>G on the plus strand (G>C on the coding strand, the complement: NEB is on the minus strand). VCF-style: chr2-151665540-C-G. GRCh37 (hg19) VCF-style: chr2-152522054-C-G.
Other names: c.5032-1G>C (NM_004543.5, NM_001164507.2, NM_001271208.2).
Identifiers: ClinVar variation 5004579 (VCV005004579.1).
Genomic context (GRCh38, chr2:151,665,540, plus strand): 5'-CTCTATGGGCACCCAGCCGATCCCTTTCATCCAATTGGTGAAGTCAGATTTGTACAGATT[C>G]TTTACAATGAGAAAAAAAATTTCATTTCAGAAAGAGTCAGGGCTTGTGTTTCTTTGGCTA-3'